The following is an entry in ClinVar:

ClinVar aggregate classification (germline): Pathogenic. Review status: criteria provided, single submitter (1 of 4 stars). 2 submissions from 2 submitters: Pathogenic (1). 1 of the submissions does not count toward it. Last evaluated 2022-07-19.

Conditions:
Tuberous sclerosis syndrome (TSC). Also called: Tuberous Sclerosis Complex; Tuberous sclerosis. Identifiers: Orphanet 805, MedGen C0041341, MONDO:0001734.
Tuberous sclerosis 2 (TSC2). Identifiers: Orphanet 805, MedGen C1860707, MONDO:0013199, OMIM 613254.

Submissions (2):

Division of Genomic Medicine, Department of Advanced Medicine, Medical Research Institute, Kanazawa Medical University
Classification: Pathogenic for Tuberous sclerosis 2. Last evaluated: 2022-07-19. Review status: criteria provided, single submitter. Criteria: ACMG Guidelines, 2015. Collection method: clinical testing. Allele origin: somatic. Affected: yes. Observed: 1 variant allele.

Tuberous sclerosis database (TSC2)
No classification provided. Condition: TSC. Review status: no classification provided. Criteria: Tuberous Sclerosis Database Assertion Criteria 2015. Collection method: curation. Allele origin: germline. Affected: yes. Not counted in ClinVar's aggregate classification.

NM_000548.5(TSC2):c.1840-1G>A

Gene: TSC2 (TSC complex subunit 2; plus strand). Cytogenetic location: 16p13.3.
Variant type: single nucleotide variant.
Coding change: c.1840-1G>A on transcript NM_000548.5 (MANE Select); the canonical splice acceptor site of the intron before coding-DNA position 1840, G replaced by A.
Molecular consequence: splice acceptor variant.
Genome position (GRCh38, 1-based): chr16:2,071,509, G>A. VCF-style: chr16-2071509-G-A. GRCh37 (hg19) VCF-style: chr16-2121510-G-A.
Other names: c.496-1G>A (NM_001406690.1, NM_001406692.1, NM_001406691.1 and 6 more transcripts); c.238-1G>A (NM_001406698.1); c.1840-1G>A (NM_001114382.3, NM_001406663.1, NM_001406664.1 and 6 more transcripts); c.1828-1G>A (NM_001406671.1, NM_001406673.1); c.1378-1G>A (NM_001406681.1); c.1729-1G>A (NM_001406670.1, NM_001318827.2, NM_001406678.1); c.1240-1G>A (NM_001406682.1, NM_001406684.1, NM_001406685.1 and 6 more transcripts); c.1783-1G>A (NM_001406677.1); and 3 more.
Identifiers: ClinVar variation 64936 (VCV000064936.3), dbSNP rs397514953, ClinGen allele CA015975.